The following is an entry in ClinVar:

ClinVar aggregate classification (germline): Conflicting classifications of pathogenicity. Review status: criteria provided, conflicting classifications (1 of 4 stars). 9 submissions from 8 submitters: Uncertain significance (7); Likely benign (1). 1 of the submissions does not count toward it. Last evaluated 2026-01-16.

Conditions:
Distal myopathy. Identifiers: Orphanet 599, MedGen C0751336, MONDO:0018949.
Autosomal recessive ataxia, Beauce type. Also called: Spinocerebellar ataxia, autosomal recessive 8; SYNE1 Deficiency; ATAXIA, RECESSIVE, OF BEAUCE; SYNE1-Related Autosomal Recessive Cerebellar Ataxia. Identifiers: Orphanet 88644, MedGen C1853116, MONDO:0012549, OMIM 610743.
Emery-Dreifuss muscular dystrophy 4, autosomal dominant (EDMD4). Also called: EMERY-DREIFUSS MUSCULAR DYSTROPHY 4 WITH VARIABLE FEATURES. Identifiers: Orphanet 261, MedGen C2751807, MONDO:0013071, OMIM 612998.
Intellectual disability. Also called: intellectual disabilities; Intellectual functioning disability; Intellectual developmental disorder. Identifiers: MedGen C3714756, MeSH D008607, MONDO:0001071, HP:0001249.

Allele frequency attached by ClinVar (database versions not stated): gnomAD exomes 0.00007 and 0.00014; ESP Exome Variant Server 0.00008; 1000 Genomes Project 30x 0.00016; 1000 Genomes Project 0.00020; gnomAD 0.00012; ExAC 0.00016; TOPMed 0.00017.
gnomAD v4.1: 125 of 1,614,102 alleles (0.0077%); highest among the groups gnomAD compares: African/African-American, 0.029%; no homozygotes.

Submissions (9):

GeneDx
Classification: Uncertain significance. Last evaluated: 2026-01-16. Review status: criteria provided, single submitter. Criteria: GeneDx Variant Classification Process June 2021. Collection method: clinical testing. Allele origin: germline.
Comment: The p.(L3877S) variant in the SYNE1 gene has been previously reported as p.(L3892S) due to alternate nomenclature along with two other missense variants, one in cis and one in trans, in two siblings with mild intellectual disability, spastic paraplegia, axon neuropathy, and leukencephalopathy (PMID: 24123876); Reported in two patients with breast cancer in the published literature who also had a variant in another gene that may have been responsible for the phenotype (PMID: 36672847); In silico analysis supports that this missense variant has a deleterious effect on protein structure/function; This variant is associated with the following publications: (PMID: 24123876, 36672847)

Labcorp Genetics (formerly Invitae), Labcorp
Classification: Uncertain significance for Emery-Dreifuss muscular dystrophy 4, autosomal dominant; Autosomal recessive ataxia, Beauce type. Last evaluated: 2024-01-19. Review status: criteria provided, single submitter. Criteria: Invitae Variant Classification Sherloc (09022015). Collection method: clinical testing. Allele origin: germline.
Comment: This sequence change replaces leucine, which is neutral and non-polar, with serine, which is neutral and polar, at codon 3877 of the SYNE1 protein (p.Leu3877Ser). This variant is present in population databases (rs180727534, gnomAD 0.08%). This missense change has been observed in individual(s) with intellectual disability, spastic paraplegia, axon neuropathy and leukoencephalopathy (PMID: 24123876). This variant is also known as p.Leu3892Ser. ClinVar contains an entry for this variant (Variation ID: 92125). An algorithm developed to predict the effect of missense changes on protein structure and function (PolyPhen-2) suggests that this variant¬†is likely to be tolerated. In summary, the available evidence is currently insufficient to determine the role of this variant in disease. Therefore, it has been classified as a Variant of Uncertain Significance.

Revvity Omics, Revvity
Classification: Uncertain significance. Last evaluated: 2023-04-20. Review status: criteria provided, single submitter. Criteria: ACMG Guidelines, 2015. Collection method: clinical testing. Allele origin: germline.

Athena Diagnostics
Classification: Uncertain significance. Last evaluated: 2022-10-19. Review status: criteria provided, single submitter. Criteria: Athena Diagnostics Criteria. Collection method: clinical testing. Allele origin: unknown.
Comment: Available data are insufficient to determine the clinical significance of the variant at this time. The available data on the frequency of this variant in large general population databases was not informative towards the evaluation of its pathogenicity. Computational tools disagree on the variant's effect on normal protein function.

Cambridge Genomics Laboratory, East Genomic Laboratory Hub, NHS Genomic Medicine Service
Classification: Uncertain significance for Distal myopathy. Last evaluated: 2020-05-14. Review status: criteria provided, single submitter. Criteria: ACGS Best Practice Guidelines for Variant Classification in Rare Disease 2020. Collection method: clinical testing. Allele origin: germline. Affected: yes. Observed: 1 variant allele.

Illumina Laboratory Services, Illumina
Classification: Likely benign for Emery-Dreifuss muscular dystrophy 4, autosomal dominant. Last evaluated: 2018-01-13. Review status: criteria provided, single submitter. Criteria: ICSL Variant Classification Criteria 13 December 2019. Collection method: clinical testing. Allele origin: germline.
Comment: This variant was observed in the ICSL laboratory as part of a predisposition screen in an ostensibly healthy population. It had not been previously curated by ICSL or reported in the Human Gene Mutation Database (HGMD: prior to June 1st, 2018), and was therefore a candidate for classification through an automated scoring system. Utilizing variant allele frequency, disease prevalence and penetrance estimates, and inheritance mode, an automated score was calculated to assess if this variant is too frequent to cause the disease. Based on the score and internal cut-off values, a variant classified as likely benign is not then subjected to further curation. The score for this variant resulted in a classification of likely benign for this disease.

Illumina Laboratory Services, Illumina
Classification: Uncertain significance for Autosomal recessive ataxia, Beauce type. Last evaluated: 2018-01-13. Review status: criteria provided, single submitter. Criteria: ICSL Variant Classification Criteria 13 December 2019. Collection method: clinical testing. Allele origin: germline.

Eurofins Ntd Llc (ga)
Classification: Uncertain significance. Last evaluated: 2015-08-28. Review status: criteria provided, single submitter. Criteria: EGL Classification Definitions 2015. Collection method: clinical testing. Allele origin: germline. Observed: 3 variant alleles, 3 heterozygotes.

OMIM
Classification: Uncertain significance for VARIANT OF UNKNOWN SIGNIFICANCE. Last evaluated: 2013-12-01. Review status: no assertion criteria provided. Collection method: literature only. Allele origin: germline. Not counted in ClinVar's aggregate classification.

Literature cited by the submitters: PubMed 24123876 (cited by 3 submitters).

NM_182961.4(SYNE1):c.11675T>C (p.Leu3892Ser)

Gene: SYNE1 (spectrin repeat containing nuclear envelope protein 1; minus strand). Cytogenetic location: 6q25.2.
Variant type: single nucleotide variant.
Coding change: c.11675T>C on transcript NM_182961.4 (MANE Select); coding-DNA position 11675, T replaced by C.
Protein change: p.Leu3892Ser; replaces leucine 3892 with serine.
Molecular consequence: missense variant.
Genome position (GRCh38, 1-based): chr6:152,350,676, A>G on the plus strand (T>C on the coding strand, the complement: SYNE1 is on the minus strand). VCF-style: chr6-152350676-A-G. GRCh37 (hg19) VCF-style: chr6-152671811-A-G.
Other names: c.11630T>C, p.Leu3877Ser (NM_033071.5); short protein forms L3892S, L3877S.
Identifiers: ClinVar variation 92125 (VCV000092125.21), dbSNP rs180727534, ClinGen allele CA145517.